The following is an entry in ClinVar:

ClinVar aggregate classification (germline): Likely benign (1 of 4 stars; one submission).

Conditions:
KIDINS220-related disorder. Also called: KIDINS220-related condition.

Submission:

PreventionGenetics, part of Exact Sciences
Classification: Likely benign for KIDINS220-related condition. Last evaluated: 2026-05-30. Review status: criteria provided, single submitter. Criteria: ACMG Guidelines, 2015. Collection method: clinical testing. Allele origin: germline.
Comment: This variant is classified as likely benign based on ACMG/AMP sequence variant interpretation guidelines (Richards et al. 2015 PMID: 25741868, with internal and published modifications).

NM_020738.4(KIDINS220):c.3011+9T>C

Gene: KIDINS220 (kinase D interacting substrate 220; minus strand). Cytogenetic location: 2p25.1.
Variant type: single nucleotide variant.
Coding change: c.3011+9T>C on transcript NM_020738.4 (MANE Select); 9 bases into the intron after coding-DNA position 3011, T replaced by C.
Molecular consequence: intron variant.
Genome position (GRCh38, 1-based): chr2:8,770,661, A>G on the plus strand (T>C on the coding strand, the complement: KIDINS220 is on the minus strand). VCF-style: chr2-8770661-A-G. GRCh37 (hg19) VCF-style: chr2-8910791-A-G.
Other names: c.3011+9T>C (NM_001348741.2, NM_001348738.2, NM_001348742.2 and 3 more transcripts); c.3014+9T>C (NM_001348739.2, NM_001348740.2, NM_001348734.2 and 3 more transcripts); c.2885+9T>C (NM_001348736.2).
Identifiers: ClinVar variation 5000215 (VCV005000215.1).
Genomic context (GRCh38, chr2:8,770,661, plus strand): 5'-TACGCGTTTTTTTTTTTTTTTTAACTCAACCTAAAATAAAGTAAAATACAAAGAGGTCAC[A>G]AAAGGTACCTTTCGTAGATGGTTTTTAATGTCATTTGATCTGGAATACCTTCAGTCTCTT-3'